The following is an entry in ClinVar:

NM_002880.4(RAF1):c.1556T>G (p.Met519Arg)

Gene: RAF1 (Raf-1 proto-oncogene, serine/threonine kinase; minus strand). Cytogenetic location: 3p25.2.
Variant type: single nucleotide variant.
Coding change: c.1556T>G on transcript NM_002880.4 (MANE Select); coding-DNA position 1556, T replaced by G.
Protein change: p.Met519Arg; replaces methionine 519 with arginine.
Molecular consequence: missense variant. On other transcripts: non-coding transcript variant (3).
Genome position (GRCh38, 1-based): chr3:12,585,234, A>C on the plus strand (T>G on the coding strand, the complement: RAF1 is on the minus strand). VCF-style: chr3-12585234-A-C. GRCh37 (hg19) VCF-style: chr3-12626733-A-C.
Other names: c.1616T>G, p.Met539Arg (NM_001354689.3); c.1556T>G, p.Met519Arg (NM_001354690.3); c.1313T>G, p.Met438Arg (NM_001354691.3, NM_001354692.3); c.1457T>G, p.Met486Arg (NM_001354693.3); c.1373T>G, p.Met458Arg (NM_001354694.3); c.1214T>G, p.Met405Arg (NM_001354695.3); short protein forms M438R, M539R, M405R, M486R, M519R, M458R.
Identifiers: ClinVar variation 654438 (VCV000654438.8), dbSNP rs1553609996, ClinGen allele CA351497929.
Genomic context (GRCh38, chr3:12,585,234, plus strand): 5'-TACAATACGATGCCATAGGAGTAGACATCCGACTGGAAACTGAATGGGTTGTTATCCTGC[A>C]TTCGGATCACCTCTGGGGCCTACATGTATCACCATATGACAAAAGTGCATTTATCACCAT-3'
Protein context (NP_002871.1, residues 509-529): VLWMAPEVIR[Met519Arg]QDNNPFSFQS

ClinVar aggregate classification (germline): Uncertain significance (1 of 4 stars; one submission).

Conditions:
RASopathy. Also called: rasopathies; Noonan spectrum disorder. Identifiers: Orphanet 536391, MedGen C5555857, MONDO:0021060.

Submission:

Labcorp Genetics (formerly Invitae), Labcorp
Classification: Uncertain significance for RASopathy. Last evaluated: 2023-08-01. Review status: criteria provided, single submitter. Criteria: Invitae Variant Classification Sherloc (09022015). Collection method: clinical testing. Allele origin: germline.
Comment: In summary, the available evidence is currently insufficient to determine the role of this variant in disease. Therefore, it has been classified as a Variant of Uncertain Significance. Advanced modeling of protein sequence and biophysical properties (such as structural, functional, and spatial information, amino acid conservation, physicochemical variation, residue mobility, and thermodynamic stability) has been performed at Invitae for this missense variant, however the output from this modeling did not meet the statistical confidence thresholds required to predict the impact of this variant on RAF1 protein function. ClinVar contains an entry for this variant (Variation ID: 654438). This variant has not been reported in the literature in individuals affected with RAF1-related conditions. This variant is not present in population databases (gnomAD no frequency). This sequence change replaces methionine, which is neutral and non-polar, with arginine, which is basic and polar, at codon 519 of the RAF1 protein (p.Met519Arg).